The following is an entry in ClinVar:

NM_001379200.1(TBX1):c.115_213del (p.Ala39_Gly71del)

Gene: TBX1 (T-box transcription factor 1; plus strand). Cytogenetic location: 22q11.21.
Variant type: Deletion.
Coding change: c.115_213del on transcript NM_001379200.1 (MANE Select); coding-DNA positions 115 to 213, 99 bases deleted.
Protein change: p.Ala39_Gly71del.
Molecular consequence: inframe deletion.
Genome position (GRCh38, 1-based): chr22:19,760,958-19,761,056, 99 bases deleted. GRCh37 (hg19): chr22:19,748,481-19,748,579.
Other names: c.88_186del, p.Ala30_Gly62del (NM_005992.1, NM_080646.2, NM_080647.1).
Identifiers: ClinVar variation 2018768 (VCV002018768.4), dbSNP rs2517841461, ClinGen allele CA2580099093.

ClinVar aggregate classification (germline): Uncertain significance (1 of 4 stars; one submission).

Conditions:
DiGeorge syndrome. Also called: Catch22; THIRD AND FOURTH PHARYNGEAL POUCH SYNDROME. Identifiers: Orphanet 567, MedGen C0012236, MONDO:0008564, OMIM 188400.

Submission:

Labcorp Genetics (formerly Invitae), Labcorp
Classification: Uncertain significance for DiGeorge syndrome. Last evaluated: 2023-07-17. Review status: criteria provided, single submitter. Criteria: Invitae Variant Classification Sherloc (09022015). Collection method: clinical testing. Allele origin: germline.
Comment: Algorithms developed to predict the effect of sequence changes on RNA splicing suggest that this variant may create or strengthen a splice site. In summary, the available evidence is currently insufficient to determine the role of this variant in disease. Therefore, it has been classified as a Variant of Uncertain Significance. Experimental studies and prediction algorithms are not available or were not evaluated, and the functional significance of this variant is currently unknown. ClinVar contains an entry for this variant (Variation ID: 2018768). This variant has not been reported in the literature in individuals affected with TBX1-related conditions. The frequency data for this variant in the population databases is considered unreliable, as metrics indicate insufficient coverage at this position in the gnomAD database. This variant, c.88_186del, results in the deletion of 33 amino acid(s) of the TBX1 protein (p.Ala30_Gly62del), but otherwise preserves the integrity of the reading frame.